The following is an entry in ClinVar:

ClinVar aggregate classification (germline): Pathogenic (1 of 4 stars; one submission).

Conditions:
3-methylcrotonyl-CoA carboxylase 2 deficiency. Also called: 3 alpha methylcrotonyl-CoA carboxylase 2 deficiency; 3 alpha methylcrotonylglycinuria 2; MCC 2 deficiency; Methylcrotonylglycinuria type 2; METHYLCROTONYLGLYCINURIA, TYPE II. Identifiers: Orphanet 6, MedGen C1859499, MONDO:0008862, OMIM 210210.

Allele frequency attached by ClinVar (database versions not stated): gnomAD exomes below 0.00001.
gnomAD v4.1: 1 of 1,614,224 alleles (0.000062%); highest among the groups gnomAD compares: Non-Finnish European, 0.000085%; no homozygotes.

Submission:

Labcorp Genetics (formerly Invitae), Labcorp
Classification: Pathogenic for 3-methylcrotonyl-CoA carboxylase 2 deficiency. Last evaluated: 2023-06-27. Review status: criteria provided, single submitter. Criteria: Invitae Variant Classification Sherloc (09022015). Collection method: clinical testing. Allele origin: germline.
Comment: This sequence change creates a premature translational stop signal (p.Glu254*) in the MCCC2 gene. It is expected to result in an absent or disrupted protein product. Loss-of-function variants in MCCC2 are known to be pathogenic (PMID: 11181649, 22642865). For these reasons, this variant has been classified as Pathogenic. ClinVar contains an entry for this variant (Variation ID: 2418694). This variant has not been reported in the literature in individuals affected with MCCC2-related conditions. This variant is not present in population databases (gnomAD no frequency).

Literature cited by the submitters: PubMed 11181649; PubMed 22642865.

NM_022132.5(MCCC2):c.760G>T (p.Glu254Ter)

Gene: MCCC2 (methylcrotonyl-CoA carboxylase subunit 2; plus strand). Cytogenetic location: 5q13.2.
Variant type: single nucleotide variant.
Coding change: c.760G>T on transcript NM_022132.5 (MANE Select); coding-DNA position 760, G replaced by T.
Protein change: p.Glu254Ter; replaces glutamic acid 254 with a stop codon.
Molecular consequence: nonsense.
Genome position (GRCh38, 1-based): chr5:71,632,142, G>T. VCF-style: chr5-71632142-G-T. GRCh37 (hg19) VCF-style: chr5-70927969-G-T.
Other names: c.646G>T, p.Glu216Ter (NM_001363147.1); short protein forms E216*, E254*.
Identifiers: ClinVar variation 2418694 (VCV002418694.9), dbSNP rs2530820915, ClinGen allele CA359984851.